The following is an entry in ClinVar:

NM_014249.4(NR2E3):c.413A>G (p.Asn138Ser)

Gene: NR2E3 (nuclear receptor subfamily 2 group E member 3; plus strand). Cytogenetic location: 15q23.
Variant type: single nucleotide variant.
Coding change: c.413A>G on transcript NM_014249.4 (MANE Select); coding-DNA position 413, A replaced by G.
Protein change: p.Asn138Ser; replaces asparagine 138 with serine.
Molecular consequence: missense variant.
Genome position (GRCh38, 1-based): chr15:71,812,018, A>G. VCF-style: chr15-71812018-A-G. GRCh37 (hg19) VCF-style: chr15-72104358-A-G.
Other names: c.413A>G, p.Asn138Ser (NM_016346.4); short protein forms N138S.
Identifiers: ClinVar variation 1508389 (VCV001508389.3), dbSNP rs367838359, ClinGen allele CA272575114.

ClinVar aggregate classification (germline): Uncertain significance (1 of 4 stars; one submission).

Allele frequency attached by ClinVar (database versions not stated): gnomAD exomes 0.00001.
gnomAD v4.1: 28 of 1,554,986 alleles (0.0018%); highest among the groups gnomAD compares: African/African-American, 0.0096%; no homozygotes.

Submission:

Labcorp Genetics (formerly Invitae), Labcorp
Classification: Uncertain significance. Last evaluated: 2022-09-27. Review status: criteria provided, single submitter. Criteria: Invitae Variant Classification Sherloc (09022015). Collection method: clinical testing. Allele origin: germline.
Comment: This sequence change replaces asparagine, which is neutral and polar, with serine, which is neutral and polar, at codon 138 of the NR2E3 protein (p.Asn138Ser). This variant is not present in population databases (gnomAD no frequency). This variant has not been reported in the literature in individuals affected with NR2E3-related conditions. ClinVar contains an entry for this variant (Variation ID: 1508389). Experimental studies and prediction algorithms are not available or were not evaluated, and the functional significance of this variant is currently unknown. In summary, the available evidence is currently insufficient to determine the role of this variant in disease. Therefore, it has been classified as a Variant of Uncertain Significance.